The following is an entry in ClinVar:

NM_024996.7(GFM1):c.974del (p.Asn325fs)

Gene: GFM1 (G elongation factor mitochondrial 1; plus strand). Cytogenetic location: 3q25.32.
Variant type: Deletion.
Coding change: c.974del on transcript NM_024996.7 (MANE Select); coding-DNA position 974, one base deleted (A; older notation c.974delA).
Protein change: p.Asn325fs; shifts the reading frame from asparagine 325.
Molecular consequence: frameshift variant. On other transcripts: non-coding transcript variant (4).
Genome position (GRCh38, 1-based): chr3:158,653,443, A deleted; the last of 2 consecutive A bases (chr3:158,653,442-158,653,443); deleting either gives the same sequence. VCF-style (leftmost placement, unchanged base first): chr3-158653441-GA-G. GRCh37 (hg19) VCF-style: chr3-158371230-GA-G.
Other names: c.1031del, p.Asn344fs (NM_001308164.2, NM_001374355.1); c.974del, p.Asn325fs (NM_001308166.2); c.857del, p.Asn286fs (NM_001374356.1); c.749del, p.Asn250fs (NM_001374357.1); c.515del, p.Asn172fs (NM_001374358.1); c.407del, p.Asn136fs (NM_001374359.1, NM_001374360.1); c.290del, p.Asn97fs (NM_001374361.1); short protein forms N136fs, N172fs, N250fs, N286fs, N325fs, N344fs, N97fs.
Identifiers: ClinVar variation 2675920 (VCV002675920.4), dbSNP rs1434843098, ClinGen allele CA901384377.
Genomic context (GRCh38, chr3:158,653,441, plus strand): 5'-AGGAGTTCAGCCTCTTTTAGATGCTGTTTTAGAATACCTCCCAAATCCATCTGAAGTCCA[GA>G]ACTATGCTATTCTCAATAAAGAGGAGTAAGTCTTGAAAATTGAATCTTAGTTTATGCAGA-3'

ClinVar aggregate classification (germline): Pathogenic/Likely pathogenic. Review status: criteria provided, multiple submitters, no conflicts (2 of 4 stars). 2 submissions from 2 submitters: Pathogenic (1); Likely pathogenic (1). Last evaluated 2023-03-07.

Conditions:
Hepatoencephalopathy due to combined oxidative phosphorylation defect type 1. Also called: HEPATOENCEPHALOPATHY, EARLY FATAL PROGRESSIVE. Identifiers: Orphanet 137681, MedGen C1836797, MONDO:0012191, OMIM 609060.

Submissions (2):

Labcorp Genetics (formerly Invitae), Labcorp
Classification: Pathogenic. Last evaluated: 2023-03-07. Review status: criteria provided, single submitter. Criteria: Invitae Variant Classification Sherloc (09022015). Collection method: clinical testing. Allele origin: germline.
Comment: This variant is not present in population databases (gnomAD no frequency). This sequence change creates a premature translational stop signal (p.Asn325Thrfs*18) in the GFM1 gene. It is expected to result in an absent or disrupted protein product. Loss-of-function variants in GFM1 are known to be pathogenic (PMID: 16632485, 17160893). This variant has not been reported in the literature in individuals affected with GFM1-related conditions. For these reasons, this variant has been classified as Pathogenic.

Baylor Genetics
Classification: Likely pathogenic for Hepatoencephalopathy due to combined oxidative phosphorylation defect type 1. Last evaluated: 2021-11-16. Review status: criteria provided, single submitter. Criteria: ACMG Guidelines, 2015. Collection method: clinical testing. Allele origin: unknown.

Literature cited by the submitters: PubMed 16632485 (cited by Labcorp Genetics (formerly Invitae), Labcorp); PubMed 17160893 (cited by Labcorp Genetics (formerly Invitae), Labcorp).